The following is an entry in ClinVar:

ClinVar aggregate classification (germline): Pathogenic/Likely pathogenic. Review status: criteria provided, multiple submitters, no conflicts (2 of 4 stars). 2 submissions from 2 submitters: Pathogenic (1); Likely pathogenic (1). Last evaluated 2022-03-28.

Conditions:
Alstrom syndrome (ALMS). Identifiers: Orphanet 64, MedGen C0268425, MONDO:0008763, OMIM 203800.

gnomAD v4.1: 1 of 1,613,238 alleles (0.000062%); highest among the groups gnomAD compares: Non-Finnish European, 0.000085%; no homozygotes.

Submissions (2):

Labcorp Genetics (formerly Invitae), Labcorp
Classification: Pathogenic for Alstrom syndrome. Last evaluated: 2022-03-28. Review status: criteria provided, single submitter. Criteria: Invitae Variant Classification Sherloc (09022015). Collection method: clinical testing. Allele origin: germline.
Comment: For these reasons, this variant has been classified as Pathogenic. Algorithms developed to predict the effect of sequence changes on RNA splicing suggest that this variant may disrupt the consensus splice site. ClinVar contains an entry for this variant (Variation ID: 1068526). This variant has not been reported in the literature in individuals affected with ALMS1-related conditions. This variant is not present in population databases (gnomAD no frequency). This sequence change creates a premature translational stop signal (p.Ser2531*) in the ALMS1 gene. It is expected to result in an absent or disrupted protein product. Loss-of-function variants in ALMS1 are known to be pathogenic (PMID: 17594715).

Juno Genomics, Hangzhou Juno Genomics, Inc
Classification: Likely pathogenic for Alstrom syndrome. Review status: criteria provided, single submitter. Criteria: ACMG Guidelines, 2015. Collection method: clinical testing. Allele origin: germline.
Comment: Null variant in a gene where loss of function (LOF) is a known mechanism of disease.;Absent from controls (or at extremely low frequency if recessive) in Genome Aggregation Database.

Literature cited by the submitters: PubMed 17594715 (cited by Labcorp Genetics (formerly Invitae), Labcorp).

NM_001378454.1(ALMS1):c.7589C>G (p.Ser2530Ter)

Gene: ALMS1 (ALMS1 centrosome and basal body associated protein; plus strand). Cytogenetic location: 2p13.1.
Variant type: single nucleotide variant.
Coding change: c.7589C>G on transcript NM_001378454.1 (MANE Select); coding-DNA position 7589, C replaced by G.
Protein change: p.Ser2530Ter; replaces serine 2530 with a stop codon.
Molecular consequence: nonsense.
Genome position (GRCh38, 1-based): chr2:73,455,210, C>G. VCF-style: chr2-73455210-C-G. GRCh37 (hg19) VCF-style: chr2-73682337-C-G.
Other names: c.7592C>G, p.Ser2531Ter (NM_015120.4); short protein forms S2530*, S2531*.
Identifiers: ClinVar variation 1068526 (VCV001068526.9), dbSNP rs1572939837, ClinGen allele CA347293026.